The following is an entry in ClinVar:

ClinVar aggregate classification (germline): Likely pathogenic (1 of 4 stars; one submission).

Submission:

Labcorp Genetics (formerly Invitae), Labcorp
Classification: Likely pathogenic. Last evaluated: 2022-05-12. Review status: criteria provided, single submitter. Criteria: Invitae Variant Classification Sherloc (09022015). Collection method: clinical testing. Allele origin: germline.
Comment: In summary, the currently available evidence indicates that the variant is pathogenic, but additional data are needed to prove that conclusively. Therefore, this variant has been classified as Likely Pathogenic. Algorithms developed to predict the effect of sequence changes on RNA splicing suggest that this variant may disrupt the consensus splice site. ClinVar contains an entry for this variant (Variation ID: 644437). This variant has not been reported in the literature in individuals affected with POLE-related conditions. This variant is not present in population databases (gnomAD no frequency). This sequence change affects an acceptor splice site in intron 10 of the POLE gene. It is expected to disrupt RNA splicing. Variants that disrupt the donor or acceptor splice site typically lead to a loss of protein function (PMID: 16199547), and loss-of-function variants in POLE are known to be pathogenic (PMID: 23230001, 25948378, 30503519).

Literature cited by the submitters: PubMed 16199547; PubMed 23230001; PubMed 25948378; PubMed 30503519.

NM_006231.4(POLE):c.1021-1G>C

Gene: POLE (DNA polymerase epsilon, catalytic subunit; minus strand). Cytogenetic location: 12q24.33.
Variant type: single nucleotide variant.
Coding change: c.1021-1G>C on transcript NM_006231.4 (MANE Select); the canonical splice acceptor site of the intron before coding-DNA position 1021, G replaced by C.
Molecular consequence: splice acceptor variant.
Genome position (GRCh38, 1-based): chr12:132,675,821, C>G on the plus strand (G>C on the coding strand, the complement: POLE is on the minus strand). VCF-style: chr12-132675821-C-G. GRCh37 (hg19) VCF-style: chr12-133252407-C-G.
Identifiers: ClinVar variation 644437 (VCV000644437.9), dbSNP rs1593077673, ClinGen allele CA387361917.